The following is an entry in ClinVar:

ClinVar aggregate classification (germline): Uncertain significance. Review status: criteria provided, multiple submitters, no conflicts (2 of 4 stars). 2 submissions from 2 submitters: Uncertain significance (2). Last evaluated 2025-08-06.

Conditions:
Hereditary nonpolyposis colorectal neoplasms. Identifiers: MedGen C0009405, MeSH D003123.
Hereditary cancer-predisposing syndrome. Also called: Neoplastic Syndromes, Hereditary; Tumor predisposition; Hereditary neoplastic syndrome; Hereditary Cancer Syndrome. Identifiers: Orphanet 140162, MedGen C0027672, MeSH D009386, MONDO:0015356.

Submissions (2):

Labcorp Genetics (formerly Invitae), Labcorp
Classification: Uncertain significance for Hereditary nonpolyposis colorectal neoplasms. Last evaluated: 2025-08-06. Review status: criteria provided, single submitter. Criteria: Invitae Variant Classification Sherloc (09022015). Collection method: clinical testing. Allele origin: germline.
Comment: This sequence change replaces aspartic acid, which is acidic and polar, with glutamic acid, which is acidic and polar, at codon 286 of the PMS2 protein (p.Asp286Glu). This variant is not present in population databases (gnomAD no frequency). This variant has not been reported in the literature in individuals affected with PMS2-related conditions. ClinVar contains an entry for this variant (Variation ID: 3232039). Invitae Evidence Modeling incorporating data from in vitro experimental studies (internal data) indicates that this missense variant is not expected to disrupt PMS2 function with a negative predictive value of 95%. In summary, the available evidence is currently insufficient to determine the role of this variant in disease. Therefore, it has been classified as a Variant of Uncertain Significance.

Ambry Genetics
Classification: Uncertain significance for Hereditary cancer-predisposing syndrome. Last evaluated: 2023-12-12. Review status: criteria provided, single submitter. Criteria: Ambry Variant Classification Scheme 2023. Collection method: clinical testing. Allele origin: germline.
Comment: The p.D286E variant (also known as c.858C>G), located in coding exon 8 of the PMS2 gene, results from a C to G substitution at nucleotide position 858. The aspartic acid at codon 286 is replaced by glutamic acid, an amino acid with highly similar properties. This amino acid position is highly conserved in available vertebrate species. In addition, the in silico prediction for this alteration is inconclusive. Since supporting evidence is limited at this time, the clinical significance of this alteration remains unclear.

NM_000535.7(PMS2):c.858C>G (p.Asp286Glu)

Gene: PMS2 (PMS1 homolog 2, mismatch repair system component; minus strand). Cytogenetic location: 7p22.1.
Variant type: single nucleotide variant.
Coding change: c.858C>G on transcript NM_000535.7 (MANE Select); coding-DNA position 858, C replaced by G.
Protein change: p.Asp286Glu; replaces aspartic acid 286 with glutamic acid.
Molecular consequence: missense variant. On other transcripts: 5 prime UTR variant (2), non-coding transcript variant (1), intron variant (4).
Genome position (GRCh38, 1-based): chr7:5,995,579, G>C on the plus strand (C>G on the coding strand, the complement: PMS2 is on the minus strand). VCF-style: chr7-5995579-G-C. GRCh37 (hg19) VCF-style: chr7-6035210-G-C.
Other names: c.453C>G, p.Asp151Glu (NM_001322009.2, NM_001322010.2, NM_001406887.1 and 20 more transcripts); c.-76C>G (NM_001322011.2, NM_001322012.2); c.285C>G, p.Asp95Glu (NM_001322013.2, NM_001406909.1); c.858C>G, p.Asp286Glu (NM_001322014.2, NM_001406870.1, NM_001406871.1 and 2 more transcripts); c.549C>G, p.Asp183Glu (NM_001322015.2, NM_001406875.1, NM_001406877.1 and 6 more transcripts); c.1044C>G, p.Asp348Glu (NM_001406866.1); c.882C>G, p.Asp294Glu (NM_001406868.1); c.750C>G, p.Asp250Glu (NM_001406869.1); and 8 more; short protein forms D115E, D151E, D174E, D180E, D183E, D230E, D250E, D286E.
Identifiers: ClinVar variation 3232039 (VCV003232039.2), dbSNP rs201921616, ClinGen allele CA366743480.